The following is an entry in ClinVar:

NM_013275.6(ANKRD11):c.77C>G (p.Thr26Ser)

Gene: ANKRD11 (ankyrin repeat domain 11; minus strand). Cytogenetic location: 16q24.3.
Variant type: single nucleotide variant.
Coding change: c.77C>G on transcript NM_013275.6 (MANE Select); coding-DNA position 77, C replaced by G.
Protein change: p.Thr26Ser; replaces threonine 26 with serine.
Molecular consequence: missense variant. On other transcripts: non-coding transcript variant (1).
Genome position (GRCh38, 1-based): chr16:89,316,943, G>C on the plus strand (C>G on the coding strand, the complement: ANKRD11 is on the minus strand). VCF-style: chr16-89316943-G-C. GRCh37 (hg19) VCF-style: chr16-89383351-G-C.
Other names: c.77C>G, p.Thr26Ser (NM_001256182.2, NM_001256183.2); short protein forms T26S.
Identifiers: ClinVar variation 1029223 (VCV001029223.1), dbSNP rs2036996668, ClinGen allele CA397166583.

ClinVar aggregate classification (germline): Uncertain significance (1 of 4 stars; one submission).

Conditions:
KBG syndrome (KBGS). Also called: ANKRD11-Related KBG Syndrome. Identifiers: Orphanet 2332, MedGen C0220687, MONDO:0007846, OMIM 148050.

Submission:

Baylor Genetics
Classification: Uncertain significance for KBG syndrome. Last evaluated: 2019-10-29. Review status: criteria provided, single submitter. Criteria: ACMG Guidelines, 2015. Collection method: clinical testing. Allele origin: unknown. Affected: yes.
Comment: This variant was determined to be of uncertain significance according to ACMG Guidelines, 2015 [PMID:25741868].